The following is an entry in ClinVar:

ClinVar aggregate classification (germline): Uncertain significance (1 of 4 stars; one submission).

Conditions:
Hypertrophic cardiomyopathy. Also called: HYPERTROPHIC MYOCARDIOPATHY. Identifiers: Orphanet 217569, MedGen C0007194, MeSH D002312, MONDO:0005045, HP:0001639.

Submission:

Labcorp Genetics (formerly Invitae), Labcorp
Classification: Uncertain significance for Hypertrophic cardiomyopathy. Last evaluated: 2021-12-17. Review status: criteria provided, single submitter. Criteria: Invitae Variant Classification Sherloc (09022015). Collection method: clinical testing. Allele origin: germline.
Comment: In summary, the available evidence is currently insufficient to determine the role of this variant in disease. Therefore, it has been classified as a Variant of Uncertain Significance. Algorithms developed to predict the effect of missense changes on protein structure and function are either unavailable or do not agree on the potential impact of this missense change (SIFT: "Deleterious"; PolyPhen-2: "Probably Damaging"; Align-GVGD: "Class C0"). This variant has not been reported in the literature in individuals affected with MYL3-related conditions. This variant is not present in population databases (gnomAD no frequency). This sequence change replaces histidine, which is basic and polar, with leucine, which is neutral and non-polar, at codon 155 of the MYL3 protein (p.His155Leu).

NM_000258.3(MYL3):c.464A>T (p.His155Leu)

Gene: MYL3 (myosin light chain 3; minus strand). Cytogenetic location: 3p21.31.
Variant type: single nucleotide variant.
Coding change: c.464A>T on transcript NM_000258.3 (MANE Select); coding-DNA position 464, A replaced by T.
Protein change: p.His155Leu; replaces histidine 155 with leucine.
Molecular consequence: missense variant.
Genome position (GRCh38, 1-based): chr3:46,859,492, T>A on the plus strand (A>T on the coding strand, the complement: MYL3 is on the minus strand). VCF-style: chr3-46859492-T-A. GRCh37 (hg19) VCF-style: chr3-46900982-T-A.
Other names: c.464A>T, p.His155Leu (NM_001406937.1, NM_001406938.1, NM_001406939.1); c.290A>T, p.His97Leu (NM_001406940.1, NM_001406941.1); short protein forms H97L, H155L.
Identifiers: ClinVar variation 2044976 (VCV002044976.4), dbSNP rs2544964889, ClinGen allele CA352495895.